The following is an entry in ClinVar:

NM_000260.4(MYO7A):c.1623C>G (p.Pro541=)

Gene: MYO7A (myosin VIIA; plus strand). Cytogenetic location: 11q13.5.
Variant type: single nucleotide variant.
Coding change: c.1623C>G on transcript NM_000260.4 (MANE Select); coding-DNA position 1623, C replaced by G.
Protein change: p.Pro541=; no amino-acid change (proline 541 retained).
Molecular consequence: synonymous variant.
Genome position (GRCh38, 1-based): chr11:77,162,921, C>G. VCF-style: chr11-77162921-C-G. GRCh37 (hg19) VCF-style: chr11-76873967-C-G.
Other names: c.1623C>G, p.Pro541= (NM_001127180.2); c.1590C>G, p.Pro530= (NM_001369365.1).
Identifiers: ClinVar variation 227678 (VCV000227678.16), dbSNP rs373327248, ClinGen allele CA6197539.
Genomic context (GRCh38, chr11:77,162,921, plus strand): 5'-CACCACCATGTTACACAAGCTGAACTCCCAGCACAAGCTCAACGCCAACTACATCCCCCC[C>G]AAGAACAACCATGAGACCCAGTTTGGCATCAACCATTTTGCAGGCATCGTCTACTATGAG-3'
Protein context (NP_000251.3, residues 531-551): QHKLNANYIP[Pro541=]KNNHETQFGI

ClinVar aggregate classification (germline): Likely benign. Review status: criteria provided, multiple submitters, no conflicts (2 of 4 stars). 4 submissions from 4 submitters: Likely benign (4). Last evaluated 2025-03-03.

Allele frequency attached by ClinVar (database versions not stated): ESP Exome Variant Server 0.00008; TOPMed 0.00009; 1000 Genomes Project 30x 0.00016; 1000 Genomes Project 0.00020.
gnomAD v4.1: 51 of 1,613,878 alleles (0.0032%); highest among the groups gnomAD compares: African/African-American, 0.008%; no homozygotes.

Submissions (4):

Labcorp Genetics (formerly Invitae), Labcorp
Classification: Likely benign. Last evaluated: 2025-03-03. Review status: criteria provided, single submitter. Criteria: Invitae Variant Classification Sherloc (09022015). Collection method: clinical testing. Allele origin: germline.

Blueprint Genetics
Classification: Likely benign. Last evaluated: 2022-04-19. Review status: criteria provided, single submitter. Criteria: ACMG Guidelines, 2015. Collection method: clinical testing. Allele origin: germline.

GeneDx
Classification: Likely benign. Last evaluated: 2021-06-21. Review status: criteria provided, single submitter. Criteria: GeneDx Variant Classification Process June 2021. Collection method: clinical testing. Allele origin: germline. Affected: yes.

Laboratory for Molecular Medicine, Mass General Brigham Personalized Medicine
Classification: Likely benign. Last evaluated: 2012-04-30. Review status: criteria provided, single submitter. Criteria: LMM Criteria. Collection method: clinical testing. Allele origin: germline. Observed: 1 variant allele.
Comment: Pro541Pro in Exon 14 of MYO7A: This variant is not expected to have clinical sig nificance because it does not alter an amino acid residue, is not located within the splice consensus sequence, and has been identified in 1/6862 European Ameri can chromosomes from a broad population by the NHLBI Exome Sequencing Project.